The following is an entry in ClinVar:

NM_014915.3(ANKRD26):c.3007G>A (p.Glu1003Lys)

Gene: ANKRD26 (ankyrin repeat domain 26; minus strand). Cytogenetic location: 10p12.1.
Variant type: single nucleotide variant.
Coding change: c.3007G>A on transcript NM_014915.3 (MANE Select); coding-DNA position 3007, G replaced by A.
Protein change: p.Glu1003Lys; replaces glutamic acid 1003 with lysine.
Molecular consequence: missense variant.
Genome position (GRCh38, 1-based): chr10:27,035,443, C>T on the plus strand (G>A on the coding strand, the complement: ANKRD26 is on the minus strand). VCF-style: chr10-27035443-C-T. GRCh37 (hg19) VCF-style: chr10-27324372-C-T.
Other names: c.3004G>A, p.Glu1002Lys (NM_001256053.2); short protein forms E1002K, E1003K.
Identifiers: ClinVar variation 777851 (VCV000777851.39), dbSNP rs41304587, ClinGen allele CA5448115.

ClinVar aggregate classification (germline): Conflicting classifications of pathogenicity. Review status: criteria provided, conflicting classifications (1 of 4 stars). 11 submissions from 11 submitters: Uncertain significance (1); Benign (2); Likely benign (5). 3 of the submissions do not count toward it. Last evaluated 2026-01-26.

Conditions:
ANKRD26-related disorder. Also called: ANKRD26-related condition.
Thrombocytopenia 2 (THC2). Also called: ANKRD26-Related Thrombocytopenia. Identifiers: Orphanet 268322, MedGen C1861185, MONDO:0008555, OMIM 188000.
Abnormal bleeding. Also called: Bleeding diathesis. Identifiers: MedGen C1458140, HP:0001892.
Thrombocytopenia. Identifiers: MedGen C0040034, MeSH D013921, MONDO:0002049, HP:0001873.

Allele frequency attached by ClinVar (database versions not stated): 1000 Genomes Project 30x 0.00078; 1000 Genomes Project 0.00080; ExAC 0.00116; ESP Exome Variant Server 0.00124; gnomAD exomes 0.00125 and 0.00239; TOPMed 0.00130; gnomAD 0.00139 and 0.00141.

Submissions (11):

Labcorp Genetics (formerly Invitae), Labcorp
Classification: Likely benign. Last evaluated: 2026-01-26. Review status: criteria provided, single submitter. Criteria: Invitae Variant Classification Sherloc (09022015). Collection method: clinical testing. Allele origin: germline.

Blueprint Genetics
Classification: Likely benign. Last evaluated: 2024-11-22. Review status: criteria provided, single submitter. Criteria: ACMG Guidelines, 2015. Collection method: clinical testing. Allele origin: germline.

ARUP Laboratories, Molecular Genetics and Genomics, ARUP Laboratories
Classification: Likely benign for Thrombocytopenia 2. Last evaluated: 2024-11-06. Review status: criteria provided, single submitter. Criteria: ARUP Molecular Germline Variant Investigation Process 2024. Collection method: clinical testing. Allele origin: germline.

CeGaT Center for Human Genetics Tuebingen
Classification: Likely benign. Last evaluated: 2024-08-01. Review status: criteria provided, single submitter. Criteria: CeGaT Center For Human Genetics Tuebingen Variant Classification Criteria Version 2. Collection method: clinical testing. Allele origin: germline. Affected: yes. Observed: 1 variant allele.
Comment: ANKRD26: BP4, BS1

GeneDx
Classification: Uncertain significance. Last evaluated: 2021-05-27. Review status: criteria provided, single submitter. Criteria: GeneDx Variant Classification Process June 2021. Collection method: clinical testing. Allele origin: germline. Affected: yes.
Comment: Has not been previously published as pathogenic or benign to our knowledge; In silico analysis, which includes protein predictors and evolutionary conservation, supports a deleterious effect; This variant is associated with the following publications: (PMID: 29185836)

Genetic Services Laboratory, University of Chicago
Classification: Benign. Last evaluated: 2021-05-25. Review status: criteria provided, single submitter. Criteria: ACMG Guidelines, 2015. Collection method: clinical testing. Allele origin: germline. Affected: no.

Genetics and Molecular Pathology, SA Pathology
Classification: Likely benign for Thrombocytopenia 2. Last evaluated: 2021-03-02. Review status: criteria provided, single submitter. Criteria: ACMG Guidelines, 2015. Collection method: clinical testing. Allele origin: germline. Inheritance: Autosomal dominant inheritance. Affected: yes.
Comment: The ANKRD26 c.3007G>A variant is classified as Likely Benign (BS2, BP6, PP3) The ANKRD26 c.3007G>A variant is a single nucleotide change in exon 24 of the ANKRD26 gene, which is predicted to change the amino acid glutamic acid at position 1003 in the protein to lysine. This variant has been observed in a healthy control population at a frequency which is inconsistent with expectations given the high penetrance of this condition under curation (BS2). Computational predictions support a deleterious effect on the gene or gene product (PP3). The variant has been reported in dbSNP (rs41304587) and has been reported as Benign/Likely benign by other diagnostic laboratories (ClinVar Variation ID: Missing ClinVar Variation ID).

Illumina Laboratory Services, Illumina
Classification: Benign for Thrombocytopenia 2. Last evaluated: 2018-01-13. Review status: criteria provided, single submitter. Criteria: ICSL Variant Classification Criteria 13 December 2019. Collection method: clinical testing. Allele origin: germline.
Comment: This variant was observed in the ICSL laboratory as part of a predisposition screen in an ostensibly healthy population. It had not been previously curated by ICSL or reported in the Human Gene Mutation Database (HGMD: prior to June 1st, 2018), and was therefore a candidate for classification through an automated scoring system. Utilizing variant allele frequency, disease prevalence and penetrance estimates, and inheritance mode, an automated score was calculated to assess if this variant is too frequent to cause the disease. Based on the score and internal cut-off values, a variant classified as benign is not then subjected to further curation. The score for this variant resulted in a classification of benign for this disease.

PreventionGenetics, part of Exact Sciences
Classification: Likely benign for ANKRD26-related condition. Last evaluated: 2024-05-25. Review status: no assertion criteria provided. Collection method: clinical testing. Allele origin: germline. Not counted in ClinVar's aggregate classification.
Comment: This variant is classified as likely benign based on ACMG/AMP sequence variant interpretation guidelines (Richards et al. 2015 PMID: 25741868, with internal and published modifications).

Zotz-Klimas Genetics Lab, MVZ Zotz Klimas
Classification: Uncertain significance for Thrombocytopenia 2. Last evaluated: 2023-10-30. Review status: no assertion criteria provided. Collection method: clinical testing. Allele origin: germline. Affected: yes. Not counted in ClinVar's aggregate classification.

Birmingham Platelet Group; University of Birmingham
Classification: Uncertain significance for Thrombocytopenia; Abnormal bleeding. Last evaluated: 2020-05-01. Review status: no assertion criteria provided. Collection method: research. Allele origin: germline. Affected: yes. Not counted in ClinVar's aggregate classification.